The following is an entry in ClinVar:

ClinVar aggregate classification (germline): Likely benign. Review status: criteria provided, multiple submitters, no conflicts (2 of 4 stars). 2 submissions from 2 submitters: Likely benign (2). Last evaluated 2025-09-15.

Conditions:
Aicardi-Goutieres syndrome 6 (AGS6). Identifiers: Orphanet 51, MedGen C3539013, MONDO:0014007, OMIM 615010.
Symmetrical dyschromatosis of extremities (DSH). Also called: RETICULATE ACROPIGMENTATION OF DOHI; SYMMETRIC DYSCHROMATOSIS OF THE EXTREMITIES; DYSCHROMATOSIS SYMMETRICA HEREDITARIA 1; Dyschromatosis symmetrica hereditaria. Identifiers: Orphanet 41, MedGen C0406775, MONDO:0007483, OMIM 127400.

Allele frequency attached by ClinVar (database versions not stated): ExAC 0.00002; gnomAD exomes 0.00003 and 0.00012; gnomAD 0.00006; TOPMed 0.00009.
gnomAD v4.1: 194 of 1,613,992 alleles (0.012%); highest among the groups gnomAD compares: Non-Finnish European, 0.015%; no homozygotes.

Submissions (2):

Labcorp Genetics (formerly Invitae), Labcorp
Classification: Likely benign for Aicardi-Goutieres syndrome 6; Symmetrical dyschromatosis of extremities. Last evaluated: 2025-09-15. Review status: criteria provided, single submitter. Criteria: Invitae Variant Classification Sherloc (09022015). Collection method: clinical testing. Allele origin: germline.

CeGaT Center for Human Genetics Tuebingen
Classification: Likely benign. Last evaluated: 2025-09-01. Review status: criteria provided, single submitter. Criteria: CeGaT Center For Human Genetics Tuebingen Variant Classification Criteria Version 2. Collection method: clinical testing. Allele origin: germline. Affected: yes. Observed: 2 variant alleles.
Comment: ADAR: BP4, BP7

NM_001111.5(ADAR):c.1875A>G (p.Lys625=)

Gene: ADAR (adenosine deaminase RNA specific; minus strand). Cytogenetic location: 1q21.3.
Variant type: single nucleotide variant.
Coding change: c.1875A>G on transcript NM_001111.5 (MANE Select); coding-DNA position 1875, A replaced by G.
Protein change: p.Lys625=; no amino-acid change (lysine 625 retained).
Molecular consequence: synonymous variant.
Genome position (GRCh38, 1-based): chr1:154,597,887, T>C on the plus strand (A>G on the coding strand, the complement: ADAR is on the minus strand). VCF-style: chr1-154597887-T-C. GRCh37 (hg19) VCF-style: chr1-154570363-T-C.
Other names: c.990A>G, p.Lys330= (NM_001025107.3, NM_001193495.2, NM_001365046.1 and 3 more transcripts); c.1902A>G, p.Lys634= (NM_001365045.1); c.1875A>G, p.Lys625= (NM_015840.4, NM_015841.4).
Identifiers: ClinVar variation 1585196 (VCV001585196.30), dbSNP rs771871176, ClinGen allele CA1131440.